The following is an entry in ClinVar:

NM_022893.4(BCL11A):c.1854C>A (p.Ser618=)

Gene: BCL11A (BCL11 transcription factor A; minus strand). Cytogenetic location: 2p16.1.
Variant type: single nucleotide variant.
Coding change: c.1854C>A on transcript NM_022893.4 (MANE Select); coding-DNA position 1854, C replaced by A.
Protein change: p.Ser618=; no amino-acid change (serine 618 retained).
Molecular consequence: synonymous variant. On other transcripts: intron variant (6).
Genome position (GRCh38, 1-based): chr2:60,461,058, G>T on the plus strand (C>A on the coding strand, the complement: BCL11A is on the minus strand). VCF-style: chr2-60461058-G-T. GRCh37 (hg19) VCF-style: chr2-60688193-G-T.
Other names: c.1752C>A, p.Ser584= (NM_001363864.1, NM_001365609.1, NM_001405711.1 and 2 more transcripts); c.1854C>A, p.Ser618= (NM_001405708.1, NM_001405709.1, NM_001405710.1 and 1 more transcripts); c.1698C>A, p.Ser566= (NM_001405713.1, NM_001405714.1, NM_001405715.1 and 3 more transcripts); c.1596C>A, p.Ser532= (NM_001405717.1, NM_001405718.1, NM_001405724.1); c.1521C>A, p.Ser507= (NM_001405720.1, NM_001405721.1); c.1398C>A, p.Ser466= (NM_001405725.1, NM_001405726.1, NM_001405727.1 and 1 more transcripts); c.1161C>A, p.Ser387= (NM_001405729.1); c.1317C>A, p.Ser439= (NM_001405730.1); and 5 more.
Identifiers: ClinVar variation 4989788 (VCV004989788.1).
Genomic context (GRCh38, chr2:60,461,058, plus strand): 5'-GAGCTTGATGCGCTTAGAGAAGGGGCTCAGCGAGCTGGGGCTGCCCAGCAGCAGCTTTTT[G>T]GACAGGCCCCCCGAGGCCGACTCGCCCGGGGAGCAGCCGCGGCCATTAACAGTGCCATCG-3'
Protein context (NP_075044.2, residues 608-628): SPGESASGGL[Ser618=]KKLLLGSPSS

ClinVar aggregate classification (germline): Likely benign (1 of 4 stars; one submission).

Conditions:
BCL11A-related disorder. Also called: BCL11A-related condition.

gnomAD v4.1: 5 of 1,605,860 alleles (0.00031%); highest among the groups gnomAD compares: Admixed American, 0.0034%; no homozygotes.

Submission:

PreventionGenetics, part of Exact Sciences
Classification: Likely benign for BCL11A-related condition. Last evaluated: 2026-08-10. Review status: criteria provided, single submitter. Criteria: ACMG Guidelines, 2015. Collection method: clinical testing. Allele origin: germline.
Comment: This variant is classified as likely benign based on ACMG/AMP sequence variant interpretation guidelines (Richards et al. 2015 PMID: 25741868, with internal and published modifications).